The following is an entry in ClinVar:

ClinVar aggregate classification (germline): Uncertain significance (1 of 4 stars; one submission).

Conditions:
Cardiovascular phenotype. Identifiers: MedGen CN230736.

Allele frequency attached by ClinVar (database versions not stated): ExAC 0.00001.
gnomAD v4.1: 3 of 1,614,066 alleles (0.00019%); highest among the groups gnomAD compares: Non-Finnish European, 0.00025%; no homozygotes.

Submission:

Ambry Genetics
Classification: Uncertain significance for Cardiovascular phenotype. Last evaluated: 2022-04-09. Review status: criteria provided, single submitter. Criteria: Ambry Variant Classification Scheme 2023. Collection method: clinical testing. Allele origin: germline.
Comment: The p.S1235R variant (also known as c.3705C>A), located in coding exon 24 of the APOB gene, results from a C to A substitution at nucleotide position 3705. The serine at codon 1235 is replaced by arginine, an amino acid with dissimilar properties. This amino acid position is conserved. In addition, this alteration is predicted to be tolerated by in silico analysis. Since supporting evidence is limited at this time, the clinical significance of this alteration remains unclear.

NM_000384.3(APOB):c.3705C>A (p.Ser1235Arg)

Gene: APOB (apolipoprotein B; minus strand). Cytogenetic location: 2p24.1.
Variant type: single nucleotide variant.
Coding change: c.3705C>A on transcript NM_000384.3 (MANE Select); coding-DNA position 3705, C replaced by A.
Protein change: p.Ser1235Arg; replaces serine 1235 with arginine.
Molecular consequence: missense variant.
Genome position (GRCh38, 1-based): chr2:21,014,585, G>T on the plus strand (C>A on the coding strand, the complement: APOB is on the minus strand). VCF-style: chr2-21014585-G-T. GRCh37 (hg19) VCF-style: chr2-21237457-G-T.
Other names: short protein forms S1235R.
Identifiers: ClinVar variation 1734137 (VCV001734137.2), dbSNP rs774105545, ClinGen allele CA059454.